The following is an entry in ClinVar:

NM_001389683.1(GOLGA3):c.4251G>A (p.Pro1417=)

Gene: GOLGA3 (golgin A3; minus strand). Cytogenetic location: 12q24.33.
Variant type: single nucleotide variant.
Coding change: c.4251G>A on transcript NM_001389683.1 (MANE Select); coding-DNA position 4251, G replaced by A.
Protein change: p.Pro1417=; no amino-acid change (proline 1417 retained).
Molecular consequence: synonymous variant.
Genome position (GRCh38, 1-based): chr12:132,774,213, C>T on the plus strand (G>A on the coding strand, the complement: GOLGA3 is on the minus strand). VCF-style: chr12-132774213-C-T. GRCh37 (hg19) VCF-style: chr12-133350799-C-T.
Other names: c.4251G>A, p.Pro1417= (NM_001389684.1, NM_001389685.1, NM_005895.4); c.4131G>A, p.Pro1377= (NM_001389686.1, NM_001389687.1, NM_001389688.1); c.3978G>A, p.Pro1326= (NM_001389689.1).
Identifiers: ClinVar variation 2643657 (VCV002643657.24), dbSNP rs148152813, ClinGen allele CA6896165.

ClinVar aggregate classification (germline): Likely benign (1 of 4 stars; one submission).

Allele frequency attached by ClinVar (database versions not stated): 1000 Genomes Project 0.00040; 1000 Genomes Project 30x 0.00047; ESP Exome Variant Server 0.00077; TOPMed 0.00099; gnomAD exomes 0.00130; ExAC 0.00132; gnomAD 0.00133.
gnomAD v4.1: 2,095 of 1,610,406 alleles (0.13%); highest among the groups gnomAD compares: Middle Eastern, 0.38%; 3 homozygotes.

Submission:

CeGaT Center for Human Genetics Tuebingen
Classification: Likely benign. Last evaluated: 2023-01-01. Review status: criteria provided, single submitter. Criteria: CeGaT Center For Human Genetics Tuebingen Variant Classification Criteria Version 2. Collection method: clinical testing. Allele origin: germline. Affected: yes. Observed: 1 variant allele.
Comment: GOLGA3: BP4, BP7